The following is an entry in ClinVar:

ClinVar aggregate classification (germline): Uncertain significance (1 of 4 stars; one submission).

gnomAD v4.1: 1 of 1,614,066 alleles (0.000062%); highest among the groups gnomAD compares: Non-Finnish European, 0.000085%; no homozygotes.

Submission:

Dasa
Classification: Uncertain significance. Last evaluated: 2024-10-09. Review status: criteria provided, single submitter. Criteria: DASA Assertion Criteria. Collection method: clinical testing. Allele origin: germline.
Comment: NM_001429.4(EP300):c.1567C>A (p.Gln523Lys) is a missense variant that results in the substitution of glutamine with lysine. This variant is rare in population databases. The currently available literature and clinical evidence are not sufficient to establish a definitive association between this variant and the reported condition. Therefore, this variant is classified as a variant of uncertain significance.

NM_001429.4(EP300):c.1567C>A (p.Gln523Lys)

Gene: EP300 (EP300 lysine acetyltransferase; plus strand). Cytogenetic location: 22q13.2.
Variant type: single nucleotide variant.
Coding change: c.1567C>A on transcript NM_001429.4 (MANE Select); coding-DNA position 1567, C replaced by A.
Protein change: p.Gln523Lys; replaces glutamine 523 with lysine.
Molecular consequence: missense variant.
Genome position (GRCh38, 1-based): chr22:41,135,851, C>A. VCF-style: chr22-41135851-C-A. GRCh37 (hg19) VCF-style: chr22-41531855-C-A.
Other names: c.1567C>A, p.Gln523Lys (NM_001362843.2); short protein forms Q523K.
Identifiers: ClinVar variation 4883838 (VCV004883838.2).